The following is an entry in ClinVar:

ClinVar aggregate classification (germline): Likely benign (0 of 4 stars; one submission).

Conditions:
CNGA1-related disorder. Also called: CNGA1-related condition.

Allele frequency attached by ClinVar (database versions not stated): gnomAD exomes 0.00021; 1000 Genomes Project 30x 0.00047; gnomAD 0.00022; ExAC 0.00038; 1000 Genomes Project 0.00040.

Submission:

PreventionGenetics, part of Exact Sciences
Classification: Likely benign for CNGA1-related condition. Last evaluated: 2020-08-21. Review status: no assertion criteria provided. Collection method: clinical testing. Allele origin: germline.
Comment: This variant is classified as likely benign based on ACMG/AMP sequence variant interpretation guidelines (Richards et al. 2015 PMID: 25741868, with internal and published modifications).

NM_001379270.1(CNGA1):c.-15+10309C>T

Genes: CNGA1 (cyclic nucleotide gated channel subunit alpha 1; minus strand), LOC101927157 (uncharacterized LOC101927157; plus strand). Cytogenetic location: 4p12.
Variant type: single nucleotide variant.
Coding change: c.-15+10309C>T on transcript NM_001379270.1 (MANE Select); 10309 bases into the intron after 15 bases upstream of the start codon, C replaced by T.
Molecular consequence: intron variant. On other transcripts: 5 prime UTR variant (1).
Genome position (GRCh38, 1-based): chr4:47,971,084, G>A on the plus strand (C>T on the coding strand, the complement: CNGA1 is on the minus strand). VCF-style: chr4-47971084-G-A. GRCh37 (hg19) VCF-style: chr4-47973101-G-A.
Other names: c.-203C>T (NM_001142564.2); c.-15+10309C>T (NM_000087.5).
Identifiers: ClinVar variation 3050180 (VCV003050180.2), dbSNP rs372138135, ClinGen allele CA2911423.